The following is an entry in ClinVar:

NM_001371623.1(TCOF1):c.4355A>G (p.Asp1452Gly)

Gene: TCOF1 (treacle ribosome biogenesis factor 1; plus strand). Cytogenetic location: 5q32.
Variant type: single nucleotide variant.
Coding change: c.4355A>G on transcript NM_001371623.1 (MANE Select); coding-DNA position 4355, A replaced by G.
Protein change: p.Asp1452Gly; replaces aspartic acid 1452 with glycine.
Molecular consequence: missense variant.
Genome position (GRCh38, 1-based): chr5:150,398,363, A>G. VCF-style: chr5-150398363-A-G. GRCh37 (hg19) VCF-style: chr5-149777926-A-G.
Other names: c.4121A>G, p.Asp1374Gly (NM_000356.4, NM_001437406.1); c.4352A>G, p.Asp1451Gly (NM_001135243.2); c.4241A>G, p.Asp1414Gly (NM_001135244.2); c.4124A>G, p.Asp1375Gly (NM_001135245.2); c.4238A>G, p.Asp1413Gly (NM_001195141.2); short protein forms D1374G, D1413G, D1375G, D1414G, D1451G, D1452G.
Identifiers: ClinVar variation 5006858 (VCV005006858.2).

ClinVar aggregate classification (germline): Uncertain significance (1 of 4 stars; one submission).

Conditions:
Treacher Collins syndrome 1 (TCS1). Also called: TCOF1-Related Treacher Collins Syndrome. Identifiers: Orphanet 861, MedGen CN315775, MONDO:0007944, OMIM 154500.

Submission:

Juno Genomics, Hangzhou Juno Genomics, Inc
Classification: Uncertain significance for Treacher Collins syndrome 1. Review status: criteria provided, single submitter. Criteria: ACMG Guidelines, 2015. Collection method: clinical testing. Allele origin: germline.
Comment: Absent from controls (or at extremely low frequency if recessive) in Genome Aggregation Database.